The following is an entry in ClinVar:

NM_004621.6(TRPC6):c.2093A>G (p.Lys698Arg)

Gene: TRPC6 (transient receptor potential cation channel subfamily C member 6; minus strand). Cytogenetic location: 11q22.1.
Variant type: single nucleotide variant.
Coding change: c.2093A>G on transcript NM_004621.6 (MANE Select); coding-DNA position 2093, A replaced by G.
Protein change: p.Lys698Arg; replaces lysine 698 with arginine.
Molecular consequence: missense variant.
Genome position (GRCh38, 1-based): chr11:101,472,249, T>C on the plus strand (A>G on the coding strand, the complement: TRPC6 is on the minus strand). VCF-style: chr11-101472249-T-C. GRCh37 (hg19) VCF-style: chr11-101342980-T-C.
Other names: short protein forms K698R.
Identifiers: ClinVar variation 3235175 (VCV003235175.1), dbSNP rs2497333280.
Genomic context (GRCh38, chr11:101,472,249, plus strand): 5'-ACAATGACCATCGTAACATTATAGACTCCATAAAGAACGTAACCAATGTTTTCAATGAAT[T>C]TGTGGTTATAGTTGATGACCACTGATTTCACTTCAGAAAGTCCAAATATAGCCCAGAACA-3'
Protein context (NP_004612.2, residues 688-708): VKSVVINYNH[Lys698Arg]FIENIGYVLY

ClinVar aggregate classification (germline): Uncertain significance (1 of 4 stars; one submission).

Conditions:
Focal segmental glomerulosclerosis 2 (FSGS2). Identifiers: Orphanet 656, MedGen C1858915, MONDO:0011390, OMIM 603965.

Submission:

MVZ Medizinische Genetik Mainz
Classification: Uncertain significance for Focal segmental glomerulosclerosis 2. Last evaluated: 2023-09-26. Review status: criteria provided, single submitter. Criteria: UK Practice Guidelines For Variant Classification V4 01 2020. Collection method: clinical testing. Allele origin: germline. Inheritance: Autosomal dominant inheritance. Affected: yes. Observed: 1 variant allele.
Comment: ACMG Criteria: PM2_SUP,PP3